The following is an entry in ClinVar:

NM_001849.4(COL6A2):c.1552C>T (p.Pro518Ser)

Gene: COL6A2 (collagen type VI alpha 2 chain; plus strand). Cytogenetic location: 21q22.3.
Variant type: single nucleotide variant.
Coding change: c.1552C>T on transcript NM_001849.4 (MANE Select); coding-DNA position 1552, C replaced by T.
Protein change: p.Pro518Ser; replaces proline 518 with serine.
Molecular consequence: missense variant.
Genome position (GRCh38, 1-based): chr21:46,122,138, C>T. VCF-style: chr21-46122138-C-T. GRCh37 (hg19) VCF-style: chr21-47542052-C-T.
Other names: c.1552C>T, p.Pro518Ser (NM_058174.3, NM_058175.3); short protein forms P518S.
Identifiers: ClinVar variation 93911 (VCV000093911.31), dbSNP rs141166141, ClinGen allele CA147433.
Genomic context (GRCh38, chr21:46,122,138, plus strand): 5'-CATGCTGACCGACTCAACGTCCTCCTCCAGGGAGACCCCGGCAGGCCTGGATTCAGCTAC[C>T]CAGGACCCCGAGGAGCACCCGTGAGTCACAGCCTGGGATGGCAGCTCCCAGGAGTGGGTG-3'
Protein context (NP_001840.3, residues 508-528): GDPGRPGFSY[Pro518Ser]GPRGAPGEKG

ClinVar aggregate classification (germline): Benign/Likely benign. Review status: criteria provided, multiple submitters, no conflicts (2 of 4 stars). 13 submissions from 13 submitters: Benign (6); Likely benign (2). 5 of the submissions do not count toward it. Last evaluated 2026-02-01.

Conditions:
Collagen 6-related myopathy. Identifiers: MedGen CN117976, MONDO:0100225.
Bethlem myopathy 1A. Also called: MYOPATHY, BENIGN CONGENITAL, WITH CONTRACTURES; Bethlem myopathy 1; Bethlem Muscular Dystrophy. Identifiers: Orphanet 610, MedGen CN029274, MONDO:0024530, OMIM 158810.

Allele frequency attached by ClinVar (database versions not stated): 1000 Genomes Project 0.00280; 1000 Genomes Project 30x 0.00281; ExAC 0.00909; gnomAD 0.00947 and 0.00982; TOPMed 0.00993; gnomAD exomes 0.00882; ESP Exome Variant Server 0.01162.

Submissions (13):

Labcorp Genetics (formerly Invitae), Labcorp
Classification: Benign for Bethlem myopathy 1A. Last evaluated: 2026-02-01. Review status: criteria provided, single submitter. Criteria: Invitae Variant Classification Sherloc (09022015). Collection method: clinical testing. Allele origin: germline.

Mayo Clinic Laboratories, Mayo Clinic
Classification: Benign. Last evaluated: 2020-03-25. Review status: criteria provided, single submitter. Criteria: ACMG Guidelines, 2015. Collection method: clinical testing. Allele origin: germline. Observed: 21 variant alleles.

Athena Diagnostics
Classification: Benign. Last evaluated: 2018-11-26. Review status: criteria provided, single submitter. Criteria: Athena Diagnostics Criteria. Collection method: clinical testing. Allele origin: germline.

Illumina Laboratory Services, Illumina
Classification: Benign for Collagen VI-related myopathy. Last evaluated: 2018-01-13. Review status: criteria provided, single submitter. Criteria: ICSL Variant Classification Criteria 13 December 2019. Collection method: clinical testing. Allele origin: germline.
Comment: This variant was observed in the ICSL laboratory as part of a predisposition screen in an ostensibly healthy population. It had not been previously curated by ICSL or reported in the Human Gene Mutation Database (HGMD: prior to June 1st, 2018), and was therefore a candidate for classification through an automated scoring system. Utilizing variant allele frequency, disease prevalence and penetrance estimates, and inheritance mode, an automated score was calculated to assess if this variant is too frequent to cause the disease. Based on the score and internal cut-off values, a variant classified as benign is not then subjected to further curation. The score for this variant resulted in a classification of benign for this disease.

GeneDx
Classification: Benign. Last evaluated: 2015-03-03. Review status: criteria provided, single submitter. Criteria: GeneDx Variant Classification Process June 2021. Collection method: clinical testing. Allele origin: germline. Affected: yes.

Eurofins Ntd Llc (ga)
Classification: Benign. Last evaluated: 2012-10-16. Review status: criteria provided, single submitter. Criteria: EGL Classification Definitions 2015. Collection method: clinical testing. Allele origin: germline. Observed: 4 variant alleles, 4 heterozygotes.

Breakthrough Genomics
Classification: Likely benign. Review status: criteria provided, single submitter. Criteria: ACMG Guidelines, 2015. Collection method: not provided. Allele origin: germline. Inheritance: Autosomal recessive inheritance. Affected: yes.

PreventionGenetics, part of Exact Sciences
Classification: Likely benign. Review status: criteria provided, single submitter. Criteria: ACMG Guidelines, 2015. Collection method: clinical testing. Allele origin: germline.

Clinical Genetics, Academic Medical Center
Classification: Benign. Review status: no assertion criteria provided. Collection method: clinical testing. Allele origin: germline. Affected: yes. Study: VKGL Data-share Consensus. Not counted in ClinVar's aggregate classification.

Genetic Services Laboratory, University of Chicago
Classification: Likely benign for AllHighlyPenetrant. Review status: no assertion criteria provided. Collection method: clinical testing. Allele origin: germline. Not counted in ClinVar's aggregate classification.
Comment: Likely benign based on allele frequency in 1000 Genomes Project or ESP global frequency and its presence in a patient with a rare or unrelated disease phenotype. NOT Sanger confirmed.

Genome Diagnostics Laboratory, University Medical Center Utrecht
Classification: Likely benign. Review status: no assertion criteria provided. Collection method: clinical testing. Allele origin: germline. Affected: yes. Study: VKGL Data-share Consensus. Not counted in ClinVar's aggregate classification.

Joint Genome Diagnostic Labs from Nijmegen and Maastricht, Radboudumc and MUMC+
Classification: Benign. Review status: no assertion criteria provided. Collection method: clinical testing. Allele origin: germline. Affected: yes. Study: VKGL Data-share Consensus. Not counted in ClinVar's aggregate classification.

Laboratory of Diagnostic Genome Analysis, Leiden University Medical Center (LUMC)
Classification: Likely benign. Review status: no assertion criteria provided. Collection method: clinical testing. Allele origin: germline. Affected: yes. Study: VKGL Data-share Consensus. Not counted in ClinVar's aggregate classification.

Literature cited by the submitters: PubMed 15689448 (cited by Athena Diagnostics); PubMed 16130093 (cited by Athena Diagnostics).